The following is an entry in ClinVar:

ClinVar aggregate classification (germline): Likely pathogenic (1 of 4 stars; one submission).

Conditions:
GREB1L-related disorder. Also called: GREB1L-related condition.

gnomAD v4.1: 1 of 1,551,520 alleles (0.000064%); highest among the groups gnomAD compares: Non-Finnish European, 0.000087%; no homozygotes.

Submission:

PreventionGenetics, part of Exact Sciences
Classification: Likely pathogenic for GREB1L-related condition. Last evaluated: 2024-12-04. Review status: criteria provided, single submitter. Criteria: ACMG Guidelines, 2015. Collection method: clinical testing. Allele origin: germline.
Comment: The GREB1L c.574C>T variant is predicted to result in premature protein termination (p.Arg192*). To our knowledge, this variant has not been reported in the literature or in a large population database (gnomAD), indicating this variant is rare. Nonsense variants in GREB1L are expected to be pathogenic. This variant is interpreted as likely pathogenic.

NM_001142966.3(GREB1L):c.574C>T (p.Arg192Ter)

Genes: GREB1L (GREB1 like retinoic acid receptor coactivator; plus strand), GREB1L-AS1 (GREB1L antisense RNA 1; minus strand). Cytogenetic location: 18q11.1.
Variant type: single nucleotide variant.
Coding change: c.574C>T on transcript NM_001142966.3 (MANE Select); coding-DNA position 574, C replaced by T.
Protein change: p.Arg192Ter; replaces arginine 192 with a stop codon.
Molecular consequence: nonsense.
Genome position (GRCh38, 1-based): chr18:21,401,191, C>T. VCF-style: chr18-21401191-C-T. GRCh37 (hg19) VCF-style: chr18-18981152-C-T.
Other names: c.574C>T, p.Arg192Ter (NM_001410867.1, NM_001410868.1); short protein forms R192*.
Identifiers: ClinVar variation 5000094 (VCV005000094.1).